The following is an entry in ClinVar:

ClinVar aggregate classification (germline): Pathogenic (1 of 4 stars; one submission).

Submission:

Labcorp Genetics (formerly Invitae), Labcorp
Classification: Pathogenic. Last evaluated: 2021-10-16. Review status: criteria provided, single submitter. Criteria: Invitae Variant Classification Sherloc (09022015). Collection method: clinical testing. Allele origin: germline.
Comment: This sequence change creates a premature translational stop signal (p.Ser434Argfs*3) in the XPC gene. It is expected to result in an absent or disrupted protein product. Loss-of-function variants in XPC are known to be pathogenic (PMID: 23173980, 25256075). For these reasons, this variant has been classified as Pathogenic. This variant has not been reported in the literature in individuals affected with XPC-related conditions. This variant is not present in population databases (ExAC no frequency).

Literature cited by the submitters: PubMed 23173980; PubMed 25256075.

NM_004628.5(XPC):c.1302_1303del (p.Ser434fs)

Gene: XPC (XPC complex subunit, DNA damage recognition and repair factor; minus strand). Cytogenetic location: 3p25.1.
Variant type: Deletion.
Coding change: c.1302_1303del on transcript NM_004628.5 (MANE Select); coding-DNA positions 1302 to 1303, 2 bases deleted (TG; older notation c.1302_1303delTG).
Protein change: p.Ser434fs; shifts the reading frame from serine 434.
Molecular consequence: frameshift variant. On other transcripts: non-coding transcript variant (2).
Genome position (GRCh38, 1-based): chr3:14,158,580-14,158,581, CA deleted on the plus strand (TG on the coding strand, the reverse complement: XPC is on the minus strand); deleting any 2 consecutive bases within chr3:14,158,580-14,158,582 gives the same sequence; the c. name uses the placement nearest the transcript's 3' end. VCF-style (leftmost placement, unchanged base first): chr3-14158579-CCA-C. GRCh37 (hg19) VCF-style: chr3-14200079-CCA-C.
Other names: c.723_724del, p.Ser241fs (NM_001354726.2); c.1302_1303del, p.Ser434fs (NM_001354727.2, NM_001354730.2); c.1284_1285del, p.Ser428fs (NM_001354729.2); short protein forms S241fs, S428fs, S434fs.
Identifiers: ClinVar variation 1455531 (VCV001455531.6), dbSNP rs2125025886, ClinGen allele CA2573136059.